The following is an entry in ClinVar:

ClinVar aggregate classification (germline): Uncertain significance. Review status: criteria provided, multiple submitters, no conflicts (2 of 4 stars). 4 submissions from 4 submitters: Uncertain significance (4). Last evaluated 2026-02-17.

Conditions:
Cardiovascular phenotype. Identifiers: MedGen CN230736.
Noonan syndrome 9 (NS9). Identifiers: Orphanet 648, MedGen C4225282, MONDO:0014691, OMIM 616559.

Submissions (4):

GeneDx
Classification: Uncertain significance. Last evaluated: 2026-02-17. Review status: criteria provided, single submitter. Criteria: GeneDx Variant Classification Process June 2021. Collection method: clinical testing. Allele origin: germline.
Comment: Not observed at significant frequency in large population cohorts (gnomAD); In silico analysis supports that this missense variant has a deleterious effect on protein structure/function; Has not been previously published as pathogenic or benign to our knowledge

Labcorp Genetics (formerly Invitae), Labcorp
Classification: Uncertain significance for Noonan syndrome 9. Last evaluated: 2025-07-02. Review status: criteria provided, single submitter. Criteria: Invitae Variant Classification Sherloc (09022015). Collection method: clinical testing. Allele origin: germline.
Comment: This sequence change replaces proline, which is neutral and non-polar, with leucine, which is neutral and non-polar, at codon 1023 of the SOS2 protein (p.Pro1023Leu). This variant is not present in population databases (gnomAD no frequency). This variant has not been reported in the literature in individuals affected with SOS2-related conditions. ClinVar contains an entry for this variant (Variation ID: 1799444). Invitae Evidence Modeling of protein sequence and biophysical properties (such as structural, functional, and spatial information, amino acid conservation, physicochemical variation, residue mobility, and thermodynamic stability) indicates that this missense variant is not expected to disrupt SOS2 protein function with a negative predictive value of 95%. In summary, the available evidence is currently insufficient to determine the role of this variant in disease. Therefore, it has been classified as a Variant of Uncertain Significance.

Blueprint Genetics
Classification: Uncertain significance. Last evaluated: 2024-09-20. Review status: criteria provided, single submitter. Criteria: ACMG Guidelines, 2015. Collection method: clinical testing. Allele origin: germline.

Ambry Genetics
Classification: Uncertain significance for Cardiovascular phenotype. Last evaluated: 2022-06-19. Review status: criteria provided, single submitter. Criteria: Ambry Variant Classification Scheme 2023. Collection method: clinical testing. Allele origin: germline.
Comment: The p.P1023L variant (also known as c.3068C>T), located in coding exon 19 of the SOS2 gene, results from a C to T substitution at nucleotide position 3068. The proline at codon 1023 is replaced by leucine, an amino acid with similar properties. This amino acid position is conserved. In addition, this alteration is predicted to be tolerated by in silico analysis. Since supporting evidence is limited at this time, the clinical significance of this alteration remains unclear.

NM_006939.4(SOS2):c.3068C>T (p.Pro1023Leu)

Gene: SOS2 (SOS Ras/Rho guanine nucleotide exchange factor 2; minus strand). Cytogenetic location: 14q21.3.
Variant type: single nucleotide variant.
Coding change: c.3068C>T on transcript NM_006939.4 (MANE Select); coding-DNA position 3068, C replaced by T.
Protein change: p.Pro1023Leu; replaces proline 1023 with leucine.
Molecular consequence: missense variant.
Genome position (GRCh38, 1-based): chr14:50,134,130, G>A on the plus strand (C>T on the coding strand, the complement: SOS2 is on the minus strand). VCF-style: chr14-50134130-G-A. GRCh37 (hg19) VCF-style: chr14-50600848-G-A.
Other names: c.2969C>T, p.Pro990Leu (NM_001411020.1); short protein forms P1023L, P990L.
Identifiers: ClinVar variation 1799444 (VCV001799444.5), dbSNP rs2502850272, ClinGen allele CA389641496.